The following is an entry in ClinVar:

ClinVar aggregate classification (germline): Uncertain significance (1 of 4 stars; one submission).

Submission:

Labcorp Genetics (formerly Invitae), Labcorp
Classification: Uncertain significance. Last evaluated: 2022-08-22. Review status: criteria provided, single submitter. Criteria: Invitae Variant Classification Sherloc (09022015). Collection method: clinical testing. Allele origin: germline.
Comment: Algorithms developed to predict the effect of sequence changes on RNA splicing suggest that this variant may disrupt the consensus splice site. This variant has not been reported in the literature in individuals affected with COL4A4-related conditions. This variant is not present in population databases (gnomAD no frequency). This sequence change falls in intron 17 of the COL4A4 gene. It does not directly change the encoded amino acid sequence of the COL4A4 protein. In summary, the available evidence is currently insufficient to determine the role of this variant in disease. Therefore, it has been classified as a Variant of Uncertain Significance.

NM_000092.5(COL4A4):c.1029+11A>G

Gene: COL4A4 (collagen type IV alpha 4 chain; minus strand). Cytogenetic location: 2q36.3.
Variant type: single nucleotide variant.
Coding change: c.1029+11A>G on transcript NM_000092.5 (MANE Select); 11 bases into the intron after coding-DNA position 1029, A replaced by G.
Molecular consequence: intron variant.
Genome position (GRCh38, 1-based): chr2:227,101,493, T>C on the plus strand (A>G on the coding strand, the complement: COL4A4 is on the minus strand). VCF-style: chr2-227101493-T-C. GRCh37 (hg19) VCF-style: chr2-227966209-T-C.
Identifiers: ClinVar variation 1963045 (VCV001963045.5), dbSNP rs2475527804, ClinGen allele CA2580065853.
Genomic context (GRCh38, chr2:227,101,493, plus strand): 5'-TAAAAATAAATTAGATAATATTAAGGATATAAACTTTTATCAGGATATATTAAAATAGGC[T>C]CACTTTTTACCTTTGGGCCAATTAATCCAAATAGCCCAGGATCTCCAACCAGTCCTAGTT-3'